The following is an entry in ClinVar:

NM_000088.4(COL1A1):c.1012G>A (p.Gly338Ser)

Gene: COL1A1 (collagen type I alpha 1 chain; minus strand). Cytogenetic location: 17q21.33.
Variant type: single nucleotide variant.
Coding change: c.1012G>A on transcript NM_000088.4 (MANE Select); coding-DNA position 1012, G replaced by A.
Protein change: p.Gly338Ser; replaces glycine 338 with serine.
Molecular consequence: missense variant.
Genome position (GRCh38, 1-based): chr17:50,195,967, C>T on the plus strand (G>A on the coding strand, the complement: COL1A1 is on the minus strand). VCF-style: chr17-50195967-C-T. GRCh37 (hg19) VCF-style: chr17-48273328-C-T.
Other names: short protein forms G338S.
Identifiers: ClinVar variation 456724 (VCV000456724.26), dbSNP rs66664580, ClinGen allele CA8645430.

ClinVar aggregate classification (germline): Pathogenic/Likely pathogenic. Review status: criteria provided, multiple submitters, no conflicts (2 of 4 stars). 8 submissions from 8 submitters: Pathogenic (6); Likely pathogenic (2). Last evaluated 2026-06-24.

Conditions:
Ehlers-Danlos syndrome, arthrochalasia type. Also called: Ehlers-Danlos syndrome, arthrochalasia type, 1; Ehlers-Danlos syndrome, arthrochalasis type; ARTHROCHALASIS MULTIPLEX CONGENITA; EDS VII, MUTANT PROCOLLAGEN TYPE; EDS VIIA. Identifiers: Orphanet 1899, Orphanet 99875, Orphanet 99876, MedGen C4551623, MONDO:0007525, OMIM 130060.
Osteogenesis imperfecta, perinatal lethal (OI2). Also called: OSTEOGENESIS IMPERFECTA, TYPE II; Osteogenesis imperfecta type 2; Osteogenesis imperfecta, dominant perinatal lethal; OI, TYPE II; OSTEOGENESIS IMPERFECTA CONGENITA; VROLIK TYPE OF OSTEOGENESIS IMPERFECTA. Identifiers: Orphanet 216804, MedGen C0268358, MONDO:0008147, OMIM 166210.
Osteogenesis imperfecta type III (OI3). Also called: Progressively Deforming Osteogenesis Imperfecta; Osteogenesis imperfecta type 3; OI type 3; Osteogenesis imperfecta, progressively deforming with normal sclerae; OI type III. Identifiers: Orphanet 216812, Orphanet 666, MedGen C0268362, MONDO:0009804, OMIM 259420.
Osteogenesis imperfecta type I (OI1). Also called: Osteogenesis imperfecta type 1; Classic Non-deforming Osteogenesis Imperfecta with Blue Sclerae; Lobstein's Disease; Lobstein disease; OI, TYPE I; OSTEOGENESIS IMPERFECTA TARDA. Identifiers: Orphanet 216796, Orphanet 666, MedGen C0023931, MONDO:0008146, OMIM 166200. Disease mechanism: loss of function.
Infantile cortical hyperostosis. Also called: Caffey Disease; P1PK BLOOD GROUP SYSTEM, P(2) PHENOTYPE; Hyperostosis, Cortical, Congenital. Identifiers: Orphanet 1310, MedGen C0020497, MONDO:0007244, OMIM 114000.
Osteogenesis imperfecta with normal sclerae, dominant form (OI4). Also called: OSTEOGENESIS IMPERFECTA, TYPE IV, WITH DENTINOGENESIS IMPERFECTA; Osteogenesis imperfecta type 4; Common Variable Osteogenesis Imperfecta with Normal Sclerae; Osteogenesis Imperfecta Type IV; OSTEOGENESIS IMPERFECTA WITH NORMAL SCLERAE. Identifiers: Orphanet 216820, Orphanet 666, MedGen C0268363, MONDO:0008148, OMIM 166220.
Combined osteogenesis imperfecta and Ehlers-Danlos syndrome 1. Also called: OIEDS SYNDROME 1. Identifiers: MedGen C5436842, MONDO:0030854, OMIM 619115.
Osteoporosis. Identifiers: MedGen C0029456, MONDO:0005298, OMIM 166710, HP:0000939.
COL1A1-related disorder. Also called: COL1A1- related disease; COL1A1-related condition.

Allele frequency attached by ClinVar (database versions not stated): gnomAD exomes below 0.00001; gnomAD 0.00001; TOPMed 0.00002; ExAC 0.00005.
gnomAD v4.1: 6 of 1,594,402 alleles (0.00038%); highest among the groups gnomAD compares: African/African-American, 0.0013%; no homozygotes.

Submissions (8):

PreventionGenetics, part of Exact Sciences
Classification: Likely pathogenic for COL1A1-related condition. Last evaluated: 2026-06-24. Review status: criteria provided, single submitter. Criteria: ACMG Guidelines, 2015. Collection method: clinical testing. Allele origin: germline.
Comment: The COL1A1 c.1012G>A variant is predicted to result in the amino acid substitution p.Gly338Ser. This variant, alternatively referred to as p.Gly160Ser using legacy nomenclature, has been reported in the heterozygous and homozygous states in multiple individuals with osteogenesis imperfecta (Table S1, Marini et al. 2007. PubMed ID: 17078022; Bardai et al. 2017. PubMed ID: 28378289; Stephen et al. 2014. PubMed ID: 24668929; Table S2, Selina et al. 2025. PubMed ID: 40047057). However, this variant has also been reported in the heterozygous state in multiple asymptomatic individuals across three generations with no clinical manifestations of osteogenesis imperfecta (Chafitz et al. 2024. PubMed ID: 38459741). This variant is reported in 0.0057% of alleles in individuals of East Asian descent in gnomAD and it is consistently interpreted as pathogenic/likely pathogenic in ClinVar (Variation ID: 456724). Alternate missense substitutions affecting the same amino acid position (p.Gly338Cys, p.Gly338Arg, and p.Gly338Val) have also been reported in multiple individuals with osteogenesis imperfecta (Table S1, Marini et al. 2007. PubMed ID: 17078022; Supplemental Table, Tüysüz et al. 2021. PubMed ID: 34902613; Senturk et al. 2024. PubMed ID: 38346409). This variant is located in the conserved Gly-Xaa-Yaa triple helical domain where substitutions of a glycine are usually pathogenic (Marini et al. 2007. PubMed ID: 17078022; Symoens. 2014. PubMed ID: 25146735). Taken together, the c.1012G>A (p.Gly338Ser) variant is interpreted as likely pathogenic.

Labcorp Genetics (formerly Invitae), Labcorp
Classification: Pathogenic for Osteogenesis imperfecta type I. Last evaluated: 2026-01-30. Review status: criteria provided, single submitter. Criteria: Invitae Variant Classification Sherloc (09022015). Collection method: clinical testing. Allele origin: germline.
Comment: This sequence change replaces glycine, which is neutral and non-polar, with serine, which is neutral and polar, at codon 338 of the COL1A1 protein (p.Gly338Ser). The frequency data for this variant in the population databases is considered unreliable, as metrics indicate poor data quality at this position in the gnomAD database. This missense change has been observed in individuals with osteogenesis imperfecta (OI) type I (PMID: 17078022, 24668929). ClinVar contains an entry for this variant (Variation ID: 456724). Invitae Evidence Modeling of protein sequence and biophysical properties (such as structural, functional, and spatial information, amino acid conservation, physicochemical variation, residue mobility, and thermodynamic stability) indicates that this missense variant is expected to disrupt COL1A1 protein function with a positive predictive value of 95%. This variant disrupts the triple helix domain of COL1A1. Glycine residues within the Gly-Xaa-Yaa repeats of the triple helix domain are required for the structure and stability of fibrillar collagens (PMID: 7695699, 8218237, 19344236). In COL1A1, variants affecting these glycine residues are significantly enriched in individuals with disease (PMID: 9016532, 17078022) compared to the general population (ExAC). This variant disrupts the p.Gly338 amino acid residue in COL1A1. Other variant(s) that disrupt this residue have been observed in individuals with COL1A1-related conditions (PMID: 16786509, 17078022, 24668929, 34902613; internal data), which suggests that this may be a clinically significant amino acid residue. For these reasons, this variant has been classified as Pathogenic.

Medical Genetics and Prenatal Diagnosis Center, Guangxi Academy of Medical Sciences and the People’s Hospital of Guangxi Zhuang Autonomous Region
Classification: Likely pathogenic for Osteogenesis imperfecta type III. Last evaluated: 2025-11-01. Review status: criteria provided, single submitter. Criteria: ACMG Guidelines, 2015. Collection method: clinical testing. Allele origin: maternal. Affected: yes.
Comment: NM_000088.4(COL1A1):c.1012G>A is a missense mutation predicted to potentially affect gene function. Literature reports indicate this variant occurs at a higher frequency in patients than in control groups [PMID: 17078022, 24668929] (PS4_Supporting); Literature reports this variant is located within a key functional domain [PMID: 19344236] (PM1); the gnomAD database records its population frequency as 0.000011 (PM2_Supporting); multiple bioinformatics methods predict this variant causes a deleterious effect on the gene or its product (PP3_Moderate). In summary, based on the evidence presented, the ACMG Guidelines, 2015 (PMID: 25741868) support this variant as a likely pathogenic variant for Osteogenesis imperfecta, type III. The classification is based on PS4_Supporting, PM1, PM2_Supporting, PP3_Moderate.

3billion
Classification: Pathogenic for Osteogenesis imperfecta type I. Last evaluated: 2025-08-19. Review status: criteria provided, single submitter. Criteria: ACMG Guidelines, 2015. Collection method: clinical testing. Allele origin: germline. Affected: yes.
Comment: The variant is observed at an extremely low frequency in the gnomAD v4.1.0 dataset (total allele frequency: <0.001%). Predicted Consequence/Location: This variant disrupts the triple helix domain of COL1A1. The glycine residues within the Gly-Xaa-Yaa repeats of this domain are crucial for the structure and stability of fibrillar collagens. In silico tool predictions suggest damaging effect of the variant on gene or gene product [REVEL: 0.98 (>=0.6, sensitivity 0.68 and specificity 0.92); 3Cnet: 0.99 (> 0.75, sensitivity 0.96 and precision 0.92)]. The same nucleotide change resulting in the same amino acid change has been previously reported as pathogenic/likely pathogenic with strong evidence (ClinVar ID: VCV000456724 /PMID: 17078022). Different missense changes at the same codon (p.Gly338Arg, p.Gly338Cys, p.Gly338Val) have been reported to be associated with COL1A1-related disorder (ClinVar ID: VCV000447136 /PMID: 16786509, 34902613, 38346409 /3billion dataset). Therefore, this variant is classified as Pathogenic according to the recommendation of ACMG/AMP guideline.

GeneDx
Classification: Pathogenic. Last evaluated: 2025-08-08. Review status: criteria provided, single submitter. Criteria: GeneDx Variant Classification Process June 2021. Collection method: clinical testing. Allele origin: germline. Affected: yes.
Comment: Occurs in the triple helical domain and replaces a glycine in a canonical Gly-X-Y repeat; missense substitution of a canonical glycine residue is expected to disrupt normal protein folding and function, and this is an established mechanism of disease (PMID: 34007986); Not observed at significant frequency in large population cohorts (gnomAD); In silico analysis supports that this missense variant has a deleterious effect on protein structure/function; This variant is associated with the following publications: (PMID: 17078022, 28378289, 24668929, 34007986, 38459741, 39865331)

Clinical Biomedical Laboratory, Shriners Hospital For Children - Canada
Classification: Pathogenic for Osteogenesis imperfecta type I. Last evaluated: 2025-07-16. Review status: criteria provided, single submitter. Criteria: ACMG Guidelines, 2015. Collection method: clinical testing. Allele origin: germline. Affected: yes.
Comment: This variant is predicted to substitute a glycine residue by a serine residue in the triple helical domain of collagen type I alpha1 chain. This variant is very rare in the Genome Aggregation Database (v2.1.1). This specific variant has been reported in the literature (PMID: 34902613, 16786509). We have observed this specific variant in the Shriners Hospital for Childrens variant database.

Baylor Genetics
Classification: Pathogenic for Osteogenesis imperfecta type I. Last evaluated: 2023-01-12. Review status: criteria provided, single submitter. Criteria: ACMG Guidelines, 2015. Collection method: clinical testing. Allele origin: unknown.

Juno Genomics, Hangzhou Juno Genomics, Inc
Classification: Pathogenic for Osteoporosis; Infantile cortical hyperostosis; Combined osteogenesis imperfecta and Ehlers-Danlos syndrome 1; Ehlers-Danlos syndrome, arthrochalasia type; Osteogenesis imperfecta type I; Osteogenesis imperfecta, perinatal lethal; Osteogenesis imperfecta type III; Osteogenesis imperfecta with normal sclerae, dominant form. Review status: criteria provided, single submitter. Criteria: ACMG Guidelines, 2015. Collection method: clinical testing. Allele origin: germline.
Comment: Absent from controls (or at extremely low frequency if recessive) in Genome Aggregation Database.;Located in a mutational hot spot and/or critical and well-established functional domain without benign variation.;Missense variant in a gene that has a low rate of benign missense variation.;Multiple lines of computational evidence support a deleterious effect on the gene or gene product.;The prevalence of the variant in affected individuals is significantly increased compared to the prevalence in controls.;Patient's phenotype or family history is highly specific for a disease with a single genetic etiology.

Literature cited by the submitters: PubMed 17078022 (cited by 3 submitters); PubMed 24668929 (cited by Labcorp Genetics (formerly Invitae), Labcorp and Medical Genetics and Prenatal Diagnosis Center, Guangxi Academy of Medical Sciences and the People’s Hospital of Guangxi Zhuang Autonomous Region); PubMed 7695699 (cited by Labcorp Genetics (formerly Invitae), Labcorp); PubMed 8218237 (cited by Labcorp Genetics (formerly Invitae), Labcorp); PubMed 19344236 (cited by Labcorp Genetics (formerly Invitae), Labcorp and Medical Genetics and Prenatal Diagnosis Center, Guangxi Academy of Medical Sciences and the People’s Hospital of Guangxi Zhuang Autonomous Region); PubMed 9016532 (cited by Labcorp Genetics (formerly Invitae), Labcorp); PubMed 16786509 (cited by 3 submitters); PubMed 34902613 (cited by Labcorp Genetics (formerly Invitae), Labcorp and Clinical Biomedical Laboratory, Shriners Hospital For Children - Canada).